The following is an entry in ClinVar:

NM_000264.5(PTCH1):c.3404T>C (p.Leu1135Pro)

Gene: PTCH1 (patched 1; minus strand). Cytogenetic location: 9q22.32.
Variant type: single nucleotide variant.
Coding change: c.3404T>C on transcript NM_000264.5 (MANE Select); coding-DNA position 3404, T replaced by C.
Protein change: p.Leu1135Pro; replaces leucine 1135 with proline.
Molecular consequence: missense variant. On other transcripts: non-coding transcript variant (1).
Genome position (GRCh38, 1-based): chr9:95,453,523, A>G on the plus strand (T>C on the coding strand, the complement: PTCH1 is on the minus strand). VCF-style: chr9-95453523-A-G. GRCh37 (hg19) VCF-style: chr9-98215805-A-G.
Other names: c.2951T>C, p.Leu984Pro (NM_001083604.3, NM_001083605.3, NM_001083606.3 and 1 more transcripts); c.3248T>C, p.Leu1083Pro (NM_001354918.2); c.3206T>C, p.Leu1069Pro (NM_001083602.3); c.3401T>C, p.Leu1134Pro (NM_001083603.3); short protein forms L1069P, L1135P, L1083P, L1134P, L984P.
Identifiers: ClinVar variation 428842 (VCV000428842.20), dbSNP rs1131690989, ClinGen allele CA374111741.

ClinVar aggregate classification (germline): Conflicting classifications of pathogenicity. Review status: criteria provided, conflicting classifications (1 of 4 stars). 2 submissions from 2 submitters: Pathogenic (1); Uncertain significance (1). Last evaluated 2026-07-24.

Conditions:
Hereditary cancer-predisposing syndrome. Also called: Neoplastic Syndromes, Hereditary; Hereditary neoplastic syndrome; Hereditary Cancer Syndrome; Tumor predisposition. Identifiers: Orphanet 140162, MedGen C0027672, MeSH D009386, MONDO:0015356.
Gorlin syndrome. Also called: Nevoid Basal Cell Carcinoma Syndrome; Basal cell nevus syndrome. Identifiers: Orphanet 377, MedGen C0004779, MONDO:0007187.

Submissions (2):

Ambry Genetics
Classification: Pathogenic for Hereditary cancer-predisposing syndrome. Last evaluated: 2026-07-24. Review status: criteria provided, single submitter. Criteria: Ambry Variant Classification Scheme 2023. Collection method: clinical testing. Allele origin: germline.
Comment: The p.L1135P pathogenic mutation (also known as c.3404T>C), located in coding exon 20 of the PTCH1 gene, results from a T to C substitution at nucleotide position 3404. The leucine at codon 1135 is replaced by proline, an amino acid with similar properties. This variant was reported in individual) with features consistent with PTCH1-related nevoid basal cell carcinoma syndrome (Ambry internal data; Coulombe C et al. JAAD Case Rep, 2018 Aug;4:662-664; Kim, YG et al. Eur J Hum Genet 2025 Oct;33(10):1368-1375.). Based on internal structural analysis, this variant is anticipated to severely impact the structure of the transmembrane helix (Ambry internal data; Guo YY et al. PLoS One, 2013 Oct;8:e77305). In addition, this alteration is predicted to be deleterious by in silico analysis. This variant is considered to be rare based on population cohorts in the Genome Aggregation Database (gnomAD). Based on the supporting evidence, this variant is interpreted as a disease-causing mutation.

Labcorp Genetics (formerly Invitae), Labcorp
Classification: Uncertain significance for Gorlin syndrome. Last evaluated: 2024-11-26. Review status: criteria provided, single submitter. Criteria: Invitae Variant Classification Sherloc (09022015). Collection method: clinical testing. Allele origin: germline.
Comment: This sequence change replaces leucine, which is neutral and non-polar, with proline, which is neutral and non-polar, at codon 1135 of the PTCH1 protein (p.Leu1135Pro). This variant is not present in population databases (gnomAD no frequency). This variant has not been reported in the literature in individuals affected with PTCH1-related conditions. ClinVar contains an entry for this variant (Variation ID: 428842). Invitae Evidence Modeling of protein sequence and biophysical properties (such as structural, functional, and spatial information, amino acid conservation, physicochemical variation, residue mobility, and thermodynamic stability) indicates that this missense variant is expected to disrupt PTCH1 protein function with a positive predictive value of 80%. In summary, the available evidence is currently insufficient to determine the role of this variant in disease. Therefore, it has been classified as a Variant of Uncertain Significance.

Literature cited by the submitters: PubMed 24204797 (cited by Ambry Genetics); PubMed 30109255 (cited by Ambry Genetics); PubMed 40702147 (cited by Ambry Genetics).